The following is an entry in ClinVar:

ClinVar aggregate classification (germline): Uncertain significance (1 of 4 stars; one submission).

Conditions:
Hereditary cancer-predisposing syndrome. Also called: Hereditary neoplastic syndrome; Neoplastic Syndromes, Hereditary; Tumor predisposition; Hereditary Cancer Syndrome. Identifiers: Orphanet 140162, MedGen C0027672, MeSH D009386, MONDO:0015356.

Allele frequency attached by ClinVar (database versions not stated): gnomAD exomes below 0.00001.

Submission:

Ambry Genetics
Classification: Uncertain significance for Hereditary cancer-predisposing syndrome. Last evaluated: 2024-04-05. Review status: criteria provided, single submitter. Criteria: Ambry Variant Classification Scheme 2023. Collection method: clinical testing. Allele origin: germline.
Comment: The c.5151_5152insATT variant (also known as p.K1717_A1718insI), located in coding exon 15 of the APC gene, results from an in-frame ATT insertion between nucleotide positions 5151 and 5152. This results in the in-frame insertion of an extra isoleucine residue between codons 1717 and 1718. This amino acid region is generally well conserved in available vertebrate species. In addition, this alteration is predicted to be neutral by in silico analysis (Choi Y et al. PLoS ONE. 2012; 7(10):e46688). Based on the available evidence, the clinical significance of this variant remains unclear.

NM_000038.6(APC):c.5151_5152insATT (p.Lys1717_Ala1718insIle)

Gene: APC (APC regulator of Wnt signaling pathway; plus strand). Cytogenetic location: 5q22.2.
Variant type: Insertion.
Coding change: c.5151_5152insATT on transcript NM_000038.6 (MANE Select); coding-DNA positions 5151 to 5152, ATT inserted.
Protein change: p.Lys1717_Ala1718insIle.
Molecular consequence: inframe insertion.
Genome position: GRCh38 VCF-style: chr5-112840745-A-AATT. GRCh37 (hg19) VCF-style: chr5-112176442-A-AATT.
Other names: c.5151_5152insATT, p.Lys1717_Ala1718insIle (NM_001127510.3, NM_001354895.2); c.5097_5098insATT, p.Lys1699_Ala1700insIle (NM_001127511.3); c.5205_5206insATT, p.Lys1735_Ala1736insIle (NM_001354896.2); c.5181_5182insATT, p.Lys1727_Ala1728insIle (NM_001354897.2); c.5076_5077insATT, p.Lys1692_Ala1693insIle (NM_001354898.2); c.5067_5068insATT, p.Lys1689_Ala1690insIle (NM_001354899.2); c.5028_5029insATT, p.Lys1676_Ala1677insIle (NM_001354900.2); c.4974_4975insATT, p.Lys1658_Ala1659insIle (NM_001354901.2); and 5 more.
Identifiers: ClinVar variation 185092 (VCV000185092.6), dbSNP rs786201922, ClinGen allele CA009893.
Genomic context (GRCh38, chr5:112,840,745, plus strand): 5'-AGATGAGGCTCAAGGAGGAAAAACCTCATCTGTAACCATACCTGAATTGGATGACAATAA[A>AATT]GCAGAGGAAGGTGATATTCTTGCAGAATGCATTAATTCTGCTATGCCCAAAGGGAAAAGT-3'